The following is an entry in ClinVar:

NM_001170700.3(DTHD1):c.1472C>G (p.Thr491Arg)

Gene: DTHD1 (death domain containing 1; plus strand). Cytogenetic location: 4p14.
Variant type: single nucleotide variant.
Coding change: c.1472C>G on transcript NM_001170700.3 (MANE Select); coding-DNA position 1472, C replaced by G.
Protein change: p.Thr491Arg; replaces threonine 491 with arginine.
Molecular consequence: missense variant. On other transcripts: non-coding transcript variant (2).
Genome position (GRCh38, 1-based): chr4:36,294,868, C>G. VCF-style: chr4-36294868-C-G. GRCh37 (hg19) VCF-style: chr4-36296490-C-G.
Other names: c.602C>G, p.Thr201Arg (NM_001136536.5); c.539C>G, p.Thr180Arg (NM_001378435.1); short protein forms T491R, T180R, T201R.
Identifiers: ClinVar variation 3713735 (VCV003713735.2).

ClinVar aggregate classification (germline): Uncertain significance (1 of 4 stars; one submission).

gnomAD v4.1: 2 of 1,551,856 alleles (0.00013%); highest among the groups gnomAD compares: Non-Finnish European, 0.00017%; no homozygotes.

Submission:

Labcorp Genetics (formerly Invitae), Labcorp
Classification: Uncertain significance. Last evaluated: 2024-04-25. Review status: criteria provided, single submitter. Criteria: Invitae Variant Classification Sherloc (09022015). Collection method: clinical testing. Allele origin: germline.
Comment: This sequence change replaces threonine, which is neutral and polar, with arginine, which is basic and polar, at codon 201 of the DTHD1 protein (p.Thr201Arg). This variant is not present in population databases (gnomAD no frequency). This variant has not been reported in the literature in individuals affected with DTHD1-related conditions. An algorithm developed to predict the effect of missense changes on protein structure and function (PolyPhen-2) suggests that this variant is likely to be disruptive. In summary, the available evidence is currently insufficient to determine the role of this variant in disease. Therefore, it has been classified as a Variant of Uncertain Significance.